The following is an entry in ClinVar:

NM_006506.5(RASA2):c.774G>T (p.Trp258Cys)

Gene: RASA2 (RAS p21 protein activator 2; plus strand). Cytogenetic location: 3q23.
Variant type: single nucleotide variant.
Coding change: c.774G>T on transcript NM_006506.5 (MANE Select); coding-DNA position 774, G replaced by T.
Protein change: p.Trp258Cys; replaces tryptophan 258 with cysteine.
Molecular consequence: missense variant.
Genome position (GRCh38, 1-based): chr3:141,559,906, G>T. VCF-style: chr3-141559906-G-T. GRCh37 (hg19) VCF-style: chr3-141278748-G-T.
Other names: c.774G>T, p.Trp258Cys (NM_001303245.3, NM_001303246.3); short protein forms W258C.
Identifiers: ClinVar variation 3644471 (VCV003644471.2).

ClinVar aggregate classification (germline): Uncertain significance (1 of 4 stars; one submission).

Submission:

Labcorp Genetics (formerly Invitae), Labcorp
Classification: Uncertain significance. Last evaluated: 2024-03-04. Review status: criteria provided, single submitter. Criteria: Invitae Variant Classification Sherloc (09022015). Collection method: clinical testing. Allele origin: germline.
Comment: This sequence change replaces tryptophan, which is neutral and slightly polar, with cysteine, which is neutral and slightly polar, at codon 258 of the RASA2 protein (p.Trp258Cys). This variant is not present in population databases (gnomAD no frequency). This variant has not been reported in the literature in individuals affected with RASA2-related conditions. Advanced modeling of protein sequence and biophysical properties (such as structural, functional, and spatial information, amino acid conservation, physicochemical variation, residue mobility, and thermodynamic stability) performed at Invitae indicates that this missense variant is not expected to disrupt RASA2 protein function with a negative predictive value of 80%. In summary, the available evidence is currently insufficient to determine the role of this variant in disease. Therefore, it has been classified as a Variant of Uncertain Significance.